The following is an entry in ClinVar:

NM_000334.4(SCN4A):c.4034T>C (p.Met1345Thr)

Genes: GH-LCR (growth hormone locus control region; plus strand), SCN4A (sodium voltage-gated channel alpha subunit 4; minus strand). Cytogenetic location: 17q23.3.
Variant type: single nucleotide variant.
Coding change: c.4034T>C on transcript NM_000334.4 (MANE Select); coding-DNA position 4034, T replaced by C.
Protein change: p.Met1345Thr; replaces methionine 1345 with threonine.
Molecular consequence: missense variant.
Genome position (GRCh38, 1-based): chr17:63,943,080, A>G on the plus strand (T>C on the coding strand, the complement: SCN4A is on the minus strand). VCF-style: chr17-63943080-A-G. GRCh37 (hg19) VCF-style: chr17-62020440-A-G.
Other names: short protein forms M1345T.
Identifiers: ClinVar variation 1310021 (VCV001310021.10), dbSNP rs543985308, ClinGen allele CA8709066.

ClinVar aggregate classification (germline): Uncertain significance. Review status: criteria provided, multiple submitters, no conflicts (2 of 4 stars). 2 submissions from 2 submitters: Uncertain significance (2). Last evaluated 2021-04-28.

Conditions:
Hyperkalemic periodic paralysis. Also called: Familial hyperkalemic periodic paralysis; Gamstorp disease. Identifiers: Orphanet 682, MedGen C0238357, MONDO:0008224, OMIM 170500, HP:0007215.

Allele frequency attached by ClinVar (database versions not stated): gnomAD exomes below 0.00001; ExAC 0.00001; gnomAD 0.00004; TOPMed 0.00004; 1000 Genomes Project 30x 0.00016; 1000 Genomes Project 0.00020.

Submissions (2):

Labcorp Genetics (formerly Invitae), Labcorp
Classification: Uncertain significance for Hyperkalemic periodic paralysis. Last evaluated: 2021-04-28. Review status: criteria provided, single submitter. Criteria: Invitae Variant Classification Sherloc (09022015). Collection method: clinical testing. Allele origin: germline.
Comment: In summary, the available evidence is currently insufficient to determine the role of this variant in disease. Therefore, it has been classified as a Variant of Uncertain Significance. Algorithms developed to predict the effect of missense changes on protein structure and function are either unavailable or do not agree on the potential impact of this missense change (SIFT: "Deleterious"; PolyPhen-2: "Benign"; Align-GVGD: "Class C0"). This variant has not been reported in the literature in individuals with SCN4A-related conditions. This variant is present in population databases (rs543985308, ExAC 0.01%). This sequence change replaces methionine with threonine at codon 1345 of the SCN4A protein (p.Met1345Thr). The methionine residue is highly conserved and there is a moderate physicochemical difference between methionine and threonine.

GeneDx
Classification: Uncertain significance. Last evaluated: 2019-11-13. Review status: criteria provided, single submitter. Criteria: GeneDx Variant Classification Process June 2021. Collection method: clinical testing. Allele origin: germline. Affected: yes.
Comment: Has not been previously published as pathogenic or benign to our knowledge; In silico analysis, which includes protein predictors and evolutionary conservation, supports a deleterious effect